The following is an entry in ClinVar:

NM_001276270.2(MBD4):c.159GAT[1] (p.Met54del)

Gene: MBD4 (methyl-CpG binding domain 4, DNA glycosylase; minus strand). Cytogenetic location: 3q21.3.
Variant type: Microsatellite.
Coding change: c.159GAT[1] on transcript NM_001276270.2 (MANE Select); one copy of the 3-base unit GAT starting at c.159; the reference has two copies in a row; one copy, 3 bases deleted.
Protein change: p.Met54del; deletes methionine 54.
Molecular consequence: inframe deletion.
Genome position (GRCh38, 1-based): chr3:129,437,891-129,437,893, ATC deleted on the plus strand (GAT on the coding strand, the reverse complement: MBD4 is on the minus strand); deleting any 3 consecutive bases within chr3:129,437,891-129,437,898 gives the same sequence; the position shown is the placement nearest the transcript's 3' end. VCF-style (leftmost placement, unchanged base first): chr3-129437890-TATC-T. GRCh37 (hg19) VCF-style: chr3-129156733-TATC-T.
Other names: c.159GAT[1], p.Met54del (NM_001276271.2, NM_001276272.2, NM_001276273.2 and 1 more transcripts); c.162_164delGAT (NM_001276270.2); short protein forms M54del.
Identifiers: ClinVar variation 2863491 (VCV002863491.4), dbSNP rs767422704, ClinGen allele CA2605593.

ClinVar aggregate classification (germline): Uncertain significance. Review status: criteria provided, multiple submitters, no conflicts (2 of 4 stars). 2 submissions from 2 submitters: Uncertain significance (2). Last evaluated 2026-04-15.

Conditions:
Inborn genetic diseases. Identifiers: MedGen C0950123, MeSH D030342.

Submissions (2):

Ambry Genetics
Classification: Uncertain significance for Inborn genetic diseases. Last evaluated: 2026-04-15. Review status: criteria provided, single submitter. Criteria: Ambry Variant Classification Scheme 2023. Collection method: clinical testing. Allele origin: germline.
Comment: The c.162_164delGAT variant (also known as p.M54del) is located in coding exon 2 of the MBD4 gene. This variant results from an in-frame GAT deletion at nucleotide positions 162 to 164. This results in the in-frame deletion of a methionine at codon 54. This amino acid position is not well conserved in available vertebrate species. In addition, this variant is predicted to be neutral by in silico analysis (Choi Y et al. PLoS ONE. 2012; 7(10):e46688). Based on the available evidence, the clinical significance of this variant remains unclear.

Labcorp Genetics (formerly Invitae), Labcorp
Classification: Uncertain significance. Last evaluated: 2025-02-03. Review status: criteria provided, single submitter. Criteria: Invitae Variant Classification Sherloc (09022015). Collection method: clinical testing. Allele origin: germline.
Comment: This variant, c.162_164del, results in the deletion of 1 amino acid(s) of the MBD4 protein (p.Met54del), but otherwise preserves the integrity of the reading frame. This variant is present in population databases (rs767422704, gnomAD 0.03%). This variant has not been reported in the literature in individuals affected with MBD4-related conditions. Experimental studies and prediction algorithms are not available or were not evaluated, and the functional significance of this variant is currently unknown. In summary, the available evidence is currently insufficient to determine the role of this variant in disease. Therefore, it has been classified as a Variant of Uncertain Significance.